The following is an entry in ClinVar:

NM_005359.6(SMAD4):c.905-13G>A

Gene: SMAD4 (SMAD family member 4; plus strand). Cytogenetic location: 18q21.2.
Variant type: single nucleotide variant.
Coding change: c.905-13G>A on transcript NM_005359.6 (MANE Select); 13 bases into the intron before coding-DNA position 905, G replaced by A.
Molecular consequence: intron variant.
Genome position (GRCh38, 1-based): chr18:51,059,853, G>A. VCF-style: chr18-51059853-G-A. GRCh37 (hg19) VCF-style: chr18-48586223-G-A.
Identifiers: ClinVar variation 925116 (VCV000925116.11), dbSNP rs1488791339, ClinGen allele CA629588279.
Genomic context (GRCh38, chr18:51,059,853, plus strand): 5'-AGATTTACTGAAAGTTTTAGCATTAGACAACTTTTAGTAAATAAAAATGGAATTTTTGTT[G>A]TCTTTTCTTTAGGGCCTGTTCACAATGAGCTTGCATTCCAGCCTCCCATTTCCAATCATC-3'

ClinVar aggregate classification (germline): Likely benign. Review status: criteria provided, multiple submitters, no conflicts (2 of 4 stars). 3 submissions from 3 submitters: Likely benign (3). Last evaluated 2025-06-11.

Conditions:
Juvenile polyposis syndrome (JPS). Identifiers: Orphanet 2929, MedGen C0345893, MONDO:0017380, OMIM 174900.
Hereditary cancer-predisposing syndrome. Also called: Neoplastic Syndromes, Hereditary; Hereditary neoplastic syndrome; Tumor predisposition; Hereditary Cancer Syndrome. Identifiers: Orphanet 140162, MedGen C0027672, MeSH D009386, MONDO:0015356.
Juvenile polyposis/hereditary hemorrhagic telangiectasia syndrome (JPHT). Also called: POLYPOSIS, GENERALIZED JUVENILE, WITH PULMONARY ARTERIOVENOUS MALFORMATION; TELANGIECTASIA, HEREDITARY HEMORRHAGIC, WITH JUVENILE POLYPOSIS COLI; Juvenile Polyposis Syndrome / Hereditary Hemorrhagic Telangiectasia (JPS/HHT); JP/HHT SYNDROME; JUVENILE POLYPOSIS WITH HEREDITARY HEMORRHAGIC TELANGIECTASIA. Identifiers: Orphanet 2929, MedGen C1832942, MONDO:0008278, OMIM 175050.

gnomAD v4.1: 1 of 1,607,034 alleles (0.000062%); no homozygotes.

Submissions (3):

Labcorp Genetics (formerly Invitae), Labcorp
Classification: Likely benign for Juvenile polyposis syndrome. Last evaluated: 2025-06-11. Review status: criteria provided, single submitter. Criteria: Invitae Variant Classification Sherloc (09022015). Collection method: clinical testing. Allele origin: germline.

Myriad Genetics, Inc.
Classification: Likely benign for Juvenile polyposis/hereditary hemorrhagic telangiectasia syndrome. Last evaluated: 2025-03-20. Review status: criteria provided, single submitter. Criteria: Myriad Autosomal Dominant, Autosomal Recessive and X-Linked Classification Criteria (2023). Collection method: clinical testing. Allele origin: unknown.
Comment: This variant is considered likely benign. This variant is intronic and is not expected to impact mRNA splicing.

Color Diagnostics, LLC DBA Color Health
Classification: Likely benign for Hereditary cancer-predisposing syndrome. Last evaluated: 2019-02-13. Review status: criteria provided, single submitter. Criteria: ACMG Guidelines, 2015. Collection method: clinical testing. Allele origin: germline.